The following is an entry in ClinVar:

NM_012188.5(FOXI1):c.*556A>G

Gene: FOXI1 (forkhead box I1; plus strand). Cytogenetic location: 5q35.1.
Variant type: single nucleotide variant.
Coding change: c.*556A>G on transcript NM_012188.5 (MANE Select); 556 bases downstream of the stop codon, A replaced by G.
Molecular consequence: 3 prime UTR variant.
Genome position (GRCh38, 1-based): chr5:170,109,167, A>G. VCF-style: chr5-170109167-A-G. GRCh37 (hg19) VCF-style: chr5-169536171-A-G.
Other names: c.*556A>G (NM_144769.4).
Identifiers: ClinVar variation 905481 (VCV000905481.4), dbSNP rs77823283, ClinGen allele CA132050988.

ClinVar aggregate classification (germline): Likely benign (1 of 4 stars; one submission).

Conditions:
Autosomal recessive nonsyndromic hearing loss 4 (DFNB4). Also called: Nonsyndromic enlarged vestibular aqueduct (NSEVA); Deafness, autosomal recessive 4; Deafness, autosomal recessive 4, with enlarged vestibular aqueduct; FOXI1-Related Pendred Syndrome; KCNJ10-Related Pendred Syndrome; DEAFNESS, AUTOSOMAL RECESSIVE 4, WITH ENLARGED VESTIBULAR AQUEDUCT, DIGENIC. Identifiers: Orphanet 90636, MedGen C3538946, MONDO:0010933, OMIM 600791.

Allele frequency attached by ClinVar (database versions not stated): 1000 Genomes Project 0.00319; 1000 Genomes Project 30x 0.00453; gnomAD exomes 0.00701; TOPMed 0.00822; gnomAD 0.01092 and 0.01117.
gnomAD v4.1: 1,660 of 154,204 alleles (1.1%); highest among the groups gnomAD compares: Non-Finnish European, 1.5%; 15 homozygotes.

Submission:

Illumina Laboratory Services, Illumina
Classification: Likely benign for Autosomal recessive nonsyndromic hearing loss 4. Last evaluated: 2017-05-05. Review status: criteria provided, single submitter. Criteria: ICSL Variant Classification Criteria 13 December 2019. Collection method: clinical testing. Allele origin: germline.
Comment: This variant was observed as part of a predisposition screen in an ostensibly healthy population. A literature search was performed for the gene, cDNA change, and amino acid change (where applicable). Publications were found based on this search. The evidence from the literature, in combination with allele frequency data from public databases where available, was sufficient to determine this variant is unlikely to cause disease. Therefore, this variant is classified as likely benign.

Literature cited by the submitters: PubMed 20809947.